The following is an entry in ClinVar:

ClinVar aggregate classification (germline): Likely benign. Review status: criteria provided, single submitter (1 of 4 stars). 2 submissions from 2 submitters: Likely benign (1). 1 of the submissions does not count toward it. Last evaluated 2024-08-12.

Conditions:
CIB1-related disorder. Also called: CIB1-related condition.

Submissions (2):

Labcorp Genetics (formerly Invitae), Labcorp
Classification: Likely benign. Last evaluated: 2024-08-12. Review status: criteria provided, single submitter. Criteria: Invitae Variant Classification Sherloc (09022015). Collection method: clinical testing. Allele origin: germline.

PreventionGenetics, part of Exact Sciences
Classification: Likely benign for CIB1-related condition. Last evaluated: 2020-10-23. Review status: no assertion criteria provided. Collection method: clinical testing. Allele origin: germline. Not counted in ClinVar's aggregate classification.
Comment: This variant is classified as likely benign based on ACMG/AMP sequence variant interpretation guidelines (Richards et al. 2015 PMID: 25741868, with internal and published modifications).

NM_006384.4(CIB1):c.346+8C>A

Gene: CIB1 (calcium and integrin binding 1; minus strand). Cytogenetic location: 15q26.1.
Variant type: single nucleotide variant.
Coding change: c.346+8C>A on transcript NM_006384.4 (MANE Select); 8 bases into the intron after coding-DNA position 346, C replaced by A.
Molecular consequence: intron variant.
Genome position (GRCh38, 1-based): chr15:90,231,349, G>T on the plus strand (C>A on the coding strand, the complement: CIB1 is on the minus strand). VCF-style: chr15-90231349-G-T. GRCh37 (hg19) VCF-style: chr15-90774581-G-T.
Other names: c.466+8C>A (NM_001277764.2).
Identifiers: ClinVar variation 3032502 (VCV003032502.4), dbSNP rs375148975, ClinGen allele CA2740096763.